The following is an entry in ClinVar:

NM_005228.5(EGFR):c.1595G>A (p.Gly532Asp)

Gene: EGFR (epidermal growth factor receptor; plus strand). Cytogenetic location: 7p11.2.
Variant type: single nucleotide variant.
Coding change: c.1595G>A on transcript NM_005228.5 (MANE Select); coding-DNA position 1595, G replaced by A.
Protein change: p.Gly532Asp; replaces glycine 532 with aspartic acid.
Molecular consequence: missense variant.
Genome position (GRCh38, 1-based): chr7:55,161,595, G>A. VCF-style: chr7-55161595-G-A. GRCh37 (hg19) VCF-style: chr7-55229288-G-A.
Other names: c.1460G>A, p.Gly487Asp (NM_001346897.2, NM_001346899.2); c.1595G>A, p.Gly532Asp (NM_001346898.2, NM_201282.2, NM_201284.2); c.1436G>A, p.Gly479Asp (NM_001346900.2); c.794G>A, p.Gly265Asp (NM_001346941.2); short protein forms G487D, G532D, G265D, G479D.
Identifiers: ClinVar variation 1968243 (VCV001968243.5), dbSNP rs2128942976, ClinGen allele CA367579964.
Genomic context (GRCh38, chr7:55,161,595, plus strand): 5'-CCGAGGGCTGCTGGGGCCCGGAGCCCAGGGACTGCGTCTCTTGCCGGAATGTCAGCCGAG[G>A]CAGGGAATGCGTGGACAAGTGCAACCTTCTGGAGGGGTAGGAGGTTATTTCTTTAATCCC-3'
Protein context (NP_005219.2, residues 522-542): DCVSCRNVSR[Gly532Asp]RECVDKCNLL

ClinVar aggregate classification (germline): Uncertain significance (1 of 4 stars; one submission).

Conditions:
EGFR-related lung cancer (EGFR). Identifiers: MedGen CN130014.

Submission:

Labcorp Genetics (formerly Invitae), Labcorp
Classification: Uncertain significance for EGFR-related lung cancer. Last evaluated: 2022-07-15. Review status: criteria provided, single submitter. Criteria: Invitae Variant Classification Sherloc (09022015). Collection method: clinical testing. Allele origin: germline.
Comment: This sequence change replaces glycine, which is neutral and non-polar, with aspartic acid, which is acidic and polar, at codon 532 of the EGFR protein (p.Gly532Asp). This variant is not present in population databases (gnomAD no frequency). This variant has not been reported in the literature in individuals affected with EGFR-related conditions. Algorithms developed to predict the effect of missense changes on protein structure and function output the following: SIFT: "Tolerated"; PolyPhen-2: "Benign"; Align-GVGD: "Class C0". The aspartic acid amino acid residue is found in multiple mammalian species, which suggests that this missense change does not adversely affect protein function. In summary, the available evidence is currently insufficient to determine the role of this variant in disease. Therefore, it has been classified as a Variant of Uncertain Significance.